The following is an entry in ClinVar:

ClinVar aggregate classification (germline): Benign (1 of 4 stars; one submission).

Conditions:
Pulmonary hypertension, primary, 1 (PPH1). Also called: Pulmonary hypertension, familial primary, 1, with or without HHT. Identifiers: Orphanet 422, MedGen C4552070, MONDO:0024533, OMIM 178600.

Allele frequency attached by ClinVar (database versions not stated): TOPMed 0.00035; 1000 Genomes Project 30x 0.00047; gnomAD 0.00062 and 0.00064; gnomAD exomes 0.00234; 1000 Genomes Project 0.00060.
gnomAD v4.1: 94 of 152,488 alleles (0.062%); highest among the groups gnomAD compares: South Asian, 0.1%; no homozygotes.

Submission:

Illumina Laboratory Services, Illumina
Classification: Benign for Pulmonary hypertension, primary, 1. Last evaluated: 2018-01-13. Review status: criteria provided, single submitter. Criteria: ICSL Variant Classification Criteria 13 December 2019. Collection method: clinical testing. Allele origin: germline.
Comment: This variant was observed in the ICSL laboratory as part of a predisposition screen in an ostensibly healthy population. It had not been previously curated by ICSL or reported in the Human Gene Mutation Database (HGMD: prior to June 1st, 2018), and was therefore a candidate for classification through an automated scoring system. Utilizing variant allele frequency, disease prevalence and penetrance estimates, and inheritance mode, an automated score was calculated to assess if this variant is too frequent to cause the disease. Based on the score and internal cut-off values, a variant classified as benign is not then subjected to further curation. The score for this variant resulted in a classification of benign for this disease.

NM_001204.7(BMPR2):c.*7776C>T

Gene: BMPR2 (bone morphogenetic protein receptor type 2; plus strand). Cytogenetic location: 2q33.2.
Variant type: single nucleotide variant.
Coding change: c.*7776C>T on transcript NM_001204.7 (MANE Select); 7776 bases downstream of the stop codon, C replaced by T.
Molecular consequence: 3 prime UTR variant.
Genome position (GRCh38, 1-based): chr2:202,567,722, C>T. VCF-style: chr2-202567722-C-T. GRCh37 (hg19) VCF-style: chr2-203432445-C-T.
Other names: c.*7776C>T (LRG_712t1).
Identifiers: ClinVar variation 333731 (VCV000333731.5), dbSNP rs569350678, ClinGen allele CA10612105.